The following is an entry in ClinVar:

ClinVar aggregate classification (germline): Benign/Likely benign. Review status: criteria provided, multiple submitters, no conflicts (2 of 4 stars). 5 submissions from 5 submitters: Benign (2); Likely benign (2). 1 of the submissions does not count toward it. Last evaluated 2025-12-01.

Conditions:
CACNA1G-related disorder. Also called: CACNA1G-related condition; CACNA1G-related disorders.

Allele frequency attached by ClinVar (database versions not stated): gnomAD exomes 0.00334; ExAC 0.00415; gnomAD 0.01301 and 0.01364; ESP Exome Variant Server 0.01312; TOPMed 0.01415; 1000 Genomes Project 30x 0.01593; 1000 Genomes Project 0.01677.
gnomAD v4.1: 4,112 of 1,611,892 alleles (0.26%); highest among the groups gnomAD compares: African/African-American, 4.8%; 79 homozygotes.

Submissions (5):

Labcorp Genetics (formerly Invitae), Labcorp
Classification: Benign. Last evaluated: 2025-12-01. Review status: criteria provided, single submitter. Criteria: Invitae Variant Classification Sherloc (09022015). Collection method: clinical testing. Allele origin: germline.

Mayo Clinic Laboratories, Mayo Clinic
Classification: Benign. Last evaluated: 2024-05-01. Review status: criteria provided, single submitter. Criteria: ACMG Guidelines, 2015. Collection method: clinical testing. Allele origin: germline. Observed: 5 variant alleles.
Comment: BA1, BP4, BP7

GeneDx
Classification: Likely benign. Last evaluated: 2021-04-11. Review status: criteria provided, single submitter. Criteria: GeneDx Variant Classification Process June 2021. Collection method: clinical testing. Allele origin: germline. Affected: yes.

Breakthrough Genomics
Classification: Likely benign. Review status: criteria provided, single submitter. Criteria: ACMG Guidelines, 2015. Collection method: not provided. Allele origin: germline. Inheritance: Autosomal dominant inheritance. Affected: yes.

PreventionGenetics, part of Exact Sciences
Classification: Benign for CACNA1G-related condition. Last evaluated: 2019-03-08. Review status: no assertion criteria provided. Collection method: clinical testing. Allele origin: germline. Not counted in ClinVar's aggregate classification.
Comment: This variant is classified as benign based on ACMG/AMP sequence variant interpretation guidelines (Richards et al. 2015 PMID: 25741868, with internal and published modifications).

NM_018896.5(CACNA1G):c.3993A>C (p.Ala1331=)

Gene: CACNA1G (calcium voltage-gated channel subunit alpha1 G; plus strand). Cytogenetic location: 17q21.33.
Variant type: single nucleotide variant.
Coding change: c.3993A>C on transcript NM_018896.5 (MANE Select); coding-DNA position 3993, A replaced by C.
Protein change: p.Ala1331=; no amino-acid change (alanine 1331 retained).
Molecular consequence: synonymous variant. On other transcripts: non-coding transcript variant (5).
Genome position (GRCh38, 1-based): chr17:50,603,023, A>C. VCF-style: chr17-50603023-A-C. GRCh37 (hg19) VCF-style: chr17-48680384-A-C.
Other names: p.Ala1331=; c.3993A>C, p.Ala1331= (NM_001256324.2, NM_001256325.2, NM_001256326.2 and 16 more transcripts); c.3924A>C, p.Ala1308= (NM_001256332.2, NM_198376.3, NM_198379.3 and 5 more transcripts).
Identifiers: ClinVar variation 775385 (VCV000775385.14), dbSNP rs60644455, ClinGen allele CA8652917.